The following is an entry in ClinVar:

ClinVar aggregate classification (germline): Benign. Review status: criteria provided, multiple submitters, no conflicts (2 of 4 stars). 2 submissions from 2 submitters: Benign (2). Last evaluated 2018-01-12.

Conditions:
Bardet-Biedl syndrome 10 (BBS10). Identifiers: Orphanet 110, MedGen C1859568, MONDO:0014438, OMIM 615987.

Allele frequency attached by ClinVar (database versions not stated): 1000 Genomes Project 0.10803; gnomAD 0.10239 and 0.10902; 1000 Genomes Project 30x 0.11524; TOPMed 0.11615.

Submissions (2):

Illumina Laboratory Services, Illumina
Classification: Benign for Bardet-Biedl syndrome 10. Last evaluated: 2018-01-12. Review status: criteria provided, single submitter. Criteria: ICSL Variant Classification Criteria 13 December 2019. Collection method: clinical testing. Allele origin: germline.
Comment: This variant was observed in the ICSL laboratory as part of a predisposition screen in an ostensibly healthy population. It had not been previously curated by ICSL or reported in the Human Gene Mutation Database (HGMD: prior to June 1st, 2018), and was therefore a candidate for classification through an automated scoring system. Utilizing variant allele frequency, disease prevalence and penetrance estimates, and inheritance mode, an automated score was calculated to assess if this variant is too frequent to cause the disease. Based on the score and internal cut-off values, a variant classified as benign is not then subjected to further curation. The score for this variant resulted in a classification of benign for this disease.

Breakthrough Genomics
Classification: Benign. Review status: criteria provided, single submitter. Criteria: ACMG Guidelines, 2015. Collection method: not provided. Allele origin: germline. Inheritance: Autosomal recessive inheritance. Affected: yes.

NM_024685.4(BBS10):c.*769G>C

Gene: BBS10 (Bardet-Biedl syndrome 10; minus strand). Cytogenetic location: 12q21.2.
Variant type: single nucleotide variant.
Coding change: c.*769G>C on transcript NM_024685.4 (MANE Select); 769 bases downstream of the stop codon, G replaced by C.
Molecular consequence: 3 prime UTR variant.
Genome position (GRCh38, 1-based): chr12:76,345,044, C>G on the plus strand (G>C on the coding strand, the complement: BBS10 is on the minus strand). VCF-style: chr12-76345044-C-G. GRCh37 (hg19) VCF-style: chr12-76738824-C-G.
Other names: c.*769G>C (LRG_1255t1).
Identifiers: ClinVar variation 310480 (VCV000310480.6), dbSNP rs73383520, ClinGen allele CA10642484.